The following is an entry in ClinVar:

NM_001039591.3(USP9X):c.6026A>G (p.Tyr2009Cys)

Gene: USP9X (ubiquitin specific peptidase 9 X-linked; plus strand). Cytogenetic location: Xp11.4.
Variant type: single nucleotide variant.
Coding change: c.6026A>G on transcript NM_001039591.3 (MANE Select); coding-DNA position 6026, A replaced by G.
Protein change: p.Tyr2009Cys; replaces tyrosine 2009 with cysteine.
Molecular consequence: missense variant.
Genome position (GRCh38, 1-based): chrX:41,216,593, A>G. VCF-style: chrX-41216593-A-G. GRCh37 (hg19) VCF-style: chrX-41075846-A-G.
Other names: c.6026A>G, p.Tyr2009Cys (NM_001039590.3); c.6041A>G, p.Tyr2014Cys (NM_001410748.1, NM_001410749.1); short protein forms Y2009C, Y2014C.
Identifiers: ClinVar variation 2104984 (VCV002104984.4), dbSNP rs2519372645, ClinGen allele CA412797800.

ClinVar aggregate classification (germline): Uncertain significance (1 of 4 stars; one submission).

Submission:

Labcorp Genetics (formerly Invitae), Labcorp
Classification: Uncertain significance. Last evaluated: 2022-03-15. Review status: criteria provided, single submitter. Criteria: Invitae Variant Classification Sherloc (09022015). Collection method: clinical testing. Allele origin: germline.
Comment: In summary, the available evidence is currently insufficient to determine the role of this variant in disease. Therefore, it has been classified as a Variant of Uncertain Significance. Algorithms developed to predict the effect of missense changes on protein structure and function (SIFT, PolyPhen-2, Align-GVGD) all suggest that this variant is likely to be disruptive. This variant has not been reported in the literature in individuals affected with USP9X-related conditions. This variant is not present in population databases (gnomAD no frequency). This sequence change replaces tyrosine, which is neutral and polar, with cysteine, which is neutral and slightly polar, at codon 2009 of the USP9X protein (p.Tyr2009Cys).